The following is an entry in ClinVar:

ClinVar aggregate classification (germline): Uncertain significance (1 of 4 stars; one submission).

Submission:

Labcorp Genetics (formerly Invitae), Labcorp
Classification: Uncertain significance. Last evaluated: 2025-01-17. Review status: criteria provided, single submitter. Criteria: Invitae Variant Classification Sherloc (09022015). Collection method: clinical testing. Allele origin: germline.
Comment: This sequence change affects codon 109 of the THBD mRNA. It is a 'silent' change, meaning that it does not change the encoded amino acid sequence of the THBD protein. This variant is present in population databases (rs759051654, gnomAD 0.001%). This variant has not been reported in the literature in individuals affected with THBD-related conditions. In summary, the available evidence is currently insufficient to determine the role of this variant in disease. Therefore, it has been classified as a Variant of Uncertain Significance.

NM_000361.3(THBD):c.327G>A (p.Gln109=)

Gene: THBD (thrombomodulin; minus strand). Cytogenetic location: 20p11.21.
Variant type: single nucleotide variant.
Coding change: c.327G>A on transcript NM_000361.3 (MANE Select); coding-DNA position 327, G replaced by A.
Protein change: p.Gln109=; no amino-acid change (glutamine 109 retained).
Molecular consequence: synonymous variant.
Genome position (GRCh38, 1-based): chr20:23,049,178, C>T on the plus strand (G>A on the coding strand, the complement: THBD is on the minus strand). VCF-style: chr20-23049178-C-T. GRCh37 (hg19) VCF-style: chr20-23029815-C-T.
Identifiers: ClinVar variation 3728226 (VCV003728226.2).
Genomic context (GRCh38, chr20:23,049,178, plus strand): 5'-CCCATTGAGGTCGAGCCGTGCCCACCTGCTATAGCTGGTGTTGTTGTCTCCCGTAACCCA[C>T]TGGAAGCCGCGCAGGGGCCCGAGGCGCTTGGGGTCGCCGCAGCCGGGTGGCAGCTGCAGG-3'
Protein context (NP_000352.1, residues 99-119): PKRLGPLRGF[Gln109=]WVTGDNNTSY